The following is an entry in ClinVar:

NM_197968.4(ZMYM2):c.983_984del (p.Lys328fs)

Gene: ZMYM2 (zinc finger MYM-type containing 2; plus strand). Cytogenetic location: 13q12.11.
Variant type: Deletion.
Coding change: c.983_984del on transcript NM_197968.4 (MANE Select); coding-DNA positions 983 to 984, 2 bases deleted (AA; older notation c.983_984delAA).
Protein change: p.Lys328fs; shifts the reading frame from lysine 328.
Molecular consequence: frameshift variant. On other transcripts: non-coding transcript variant (1).
Genome position (GRCh38, 1-based): chr13:20,002,985-20,002,986, AA deleted; deleting any 2 consecutive bases within chr13:20,002,984-20,002,986 gives the same sequence; the c. name uses the placement nearest the transcript's 3' end. VCF-style (leftmost placement, unchanged base first): chr13-20002983-TAA-T. GRCh37 (hg19) VCF-style: chr13-20577123-TAA-T.
Other names: c.983_984del, p.Lys328fs (NM_001190965.4, NM_001353157.2, NM_001353159.2 and 5 more transcripts); c.788_789del, p.Lys263fs (NM_001353161.3); c.722_723del, p.Lys241fs (NM_001353163.2); short protein forms K241fs, K263fs, K328fs.
Identifiers: ClinVar variation 4854723 (VCV004854723.1).

ClinVar aggregate classification (germline): Likely pathogenic (1 of 4 stars; one submission).

Conditions:
Neurodevelopmental-craniofacial syndrome with variable renal and cardiac abnormalities. Identifiers: MedGen C5561984, MONDO:0859190, OMIM 619522.

Submission:

3billion
Classification: Likely pathogenic for Neurodevelopmental-craniofacial syndrome with variable renal and cardiac abnormalities. Last evaluated: 2025-09-30. Review status: criteria provided, single submitter. Criteria: ACMG Guidelines, 2015. Collection method: clinical testing. Allele origin: germline. Affected: yes.
Comment: The variant is not observed in the gnomAD v4.1.0 dataset. Predicted Consequence/Location: Frameshift: predicted to result in a loss or disruption of normal protein function through nonsense-mediated decay (NMD) or protein truncation. Multiple pathogenic variants are reported downstream of the variant. Therefore, this variant is classified as Likely pathogenic according to the recommendation of ACMG/AMP guideline.